The following is an entry in ClinVar:

ClinVar aggregate classification (germline): Uncertain significance (1 of 4 stars; one submission).

Submission:

Labcorp Genetics (formerly Invitae), Labcorp
Classification: Uncertain significance. Last evaluated: 2023-10-28. Review status: criteria provided, single submitter. Criteria: Invitae Variant Classification Sherloc (09022015). Collection method: clinical testing. Allele origin: germline.
Comment: This sequence change replaces serine, which is neutral and polar, with asparagine, which is neutral and polar, at codon 13 of the MMP13 protein (p.Ser13Asn). This variant is not present in population databases (gnomAD no frequency). This variant has not been reported in the literature in individuals affected with MMP13-related conditions. An algorithm developed to predict the effect of missense changes on protein structure and function (PolyPhen-2) suggests that this variant is likely to be tolerated. In summary, the available evidence is currently insufficient to determine the role of this variant in disease. Therefore, it has been classified as a Variant of Uncertain Significance.

NM_002427.4(MMP13):c.38G>A (p.Ser13Asn)

Genes: MMP13 (matrix metallopeptidase 13; minus strand), LOC126861318 (BRD4-independent group 4 enhancer GRCh37_chr11:102825894-102827093; plus strand). Cytogenetic location: 11q22.2.
Variant type: single nucleotide variant.
Coding change: c.38G>A on transcript NM_002427.4 (MANE Select); coding-DNA position 38, G replaced by A.
Protein change: p.Ser13Asn; replaces serine 13 with asparagine.
Molecular consequence: missense variant.
Genome position (GRCh38, 1-based): chr11:102,955,668, C>T on the plus strand (G>A on the coding strand, the complement: MMP13 is on the minus strand). VCF-style: chr11-102955668-C-T. GRCh37 (hg19) VCF-style: chr11-102826397-C-T.
Other names: short protein forms S13N.
Identifiers: ClinVar variation 2772530 (VCV002772530.3), dbSNP rs2496471027, ClinGen allele CA382233810.
Genomic context (GRCh38, chr11:102,955,668, plus strand): 5'-TCAGACAAATCATCTTCATCACCACCACTGGGAAGGGGCAGGGCCCGACAATGAGTCCAG[C>T]TCAAGAAGAGGAAGGCAGCCAGGACCCCTGGATGCATCTTGAATGGTGATGCCTGGGGAC-3'
Protein context (NP_002418.1, residues 3-23): PGVLAAFLFL[Ser13Asn]WTHCRALPLP